The following is an entry in ClinVar:

NM_025099.6(CTC1):c.1564C>T (p.Arg522Trp)

Gene: CTC1 (CST telomere replication complex component 1; minus strand). Cytogenetic location: 17p13.1.
Variant type: single nucleotide variant.
Coding change: c.1564C>T on transcript NM_025099.6 (MANE Select); coding-DNA position 1564, C replaced by T.
Protein change: p.Arg522Trp; replaces arginine 522 with tryptophan.
Molecular consequence: missense variant. On other transcripts: non-coding transcript variant (1).
Genome position (GRCh38, 1-based): chr17:8,234,802, G>A on the plus strand (C>T on the coding strand, the complement: CTC1 is on the minus strand). VCF-style: chr17-8234802-G-A. GRCh37 (hg19) VCF-style: chr17-8138120-G-A.
Other names: p.Arg522Trp; short protein forms R522W.
Identifiers: ClinVar variation 459591 (VCV000459591.23), dbSNP rs199698527, ClinGen allele CA8372315.
Genomic context (GRCh38, chr17:8,234,802, plus strand): 5'-CTCATACTTTCTGGAGGGGACAGTGATGTGGCTCTTCAAGGATCTCATTGTGTGCATTCC[G>A]AACAGGGCTGCCTGGCGGAGCTAGAAGATCCAGGGTAGGAGCCAGGAGTTGCAGTCCCAG-3'
Protein context (NP_079375.3, residues 512-532): DLLAPPGSPV[Arg522Trp]NAHNEILEEP

ClinVar aggregate classification (germline): Conflicting classifications of pathogenicity. Review status: criteria provided, conflicting classifications (1 of 4 stars). 9 submissions from 9 submitters: Uncertain significance (8); Likely benign (1). Last evaluated 2026-03-01.

Conditions:
Inborn genetic diseases. Identifiers: MedGen C0950123, MeSH D030342.
Dyskeratosis congenita. Identifiers: Orphanet 1775, MedGen C0265965, MONDO:0015780.
Cerebroretinal microangiopathy with calcifications and cysts 1 (CRMCC1). Identifiers: Orphanet 313838, MedGen C4552029, MONDO:0024564, OMIM 612199.
CTC1-related disorder. Also called: CTC1-related condition.

Allele frequency attached by ClinVar (database versions not stated): 1000 Genomes Project 0.00020; gnomAD 0.00032; 1000 Genomes Project 30x 0.00047; TOPMed 0.00047; ESP Exome Variant Server 0.00073.
gnomAD v4.1: 184 of 1,611,994 alleles (0.011%); highest among the groups gnomAD compares: African/African-American, 0.097%; no homozygotes.

Submissions (9):

CeGaT Center for Human Genetics Tuebingen
Classification: Uncertain significance. Last evaluated: 2026-03-01. Review status: criteria provided, single submitter. Criteria: CeGaT Center For Human Genetics Tuebingen Variant Classification Criteria Version 2. Collection method: clinical testing. Allele origin: germline. Affected: yes. Observed: 1 variant allele.
Comment: CTC1: PM2

Labcorp Genetics (formerly Invitae), Labcorp
Classification: Likely benign for Dyskeratosis congenita. Last evaluated: 2026-01-19. Review status: criteria provided, single submitter. Criteria: Invitae Variant Classification Sherloc (09022015). Collection method: clinical testing. Allele origin: germline.

Mayo Clinic Laboratories, Mayo Clinic
Classification: Uncertain significance. Last evaluated: 2025-12-13. Review status: criteria provided, single submitter. Criteria: ACMG Guidelines, 2015. Collection method: clinical testing. Allele origin: germline. Observed: 1 variant allele.

PreventionGenetics, part of Exact Sciences
Classification: Uncertain significance for CTC1-related condition. Last evaluated: 2025-08-26. Review status: criteria provided, single submitter. Criteria: ACMG Guidelines, 2015. Collection method: clinical testing. Allele origin: germline.
Comment: The CTC1 c.1564C>T variant is predicted to result in the amino acid substitution p.Arg522Trp. To our knowledge, this variant has not been reported in the literature. This variant is reported in 0.095% of alleles in individuals of African descent in gnomAD. This variant has conflicting interpretations in ClinVar ranging from uncertain to likely benign (Variation ID: 459591). Although we suspect that this variant may be benign, at this time, the clinical significance of this variant is uncertain due to the absence of conclusive functional and genetic evidence.

GeneDx
Classification: Uncertain significance. Last evaluated: 2024-07-29. Review status: criteria provided, single submitter. Criteria: GeneDx Variant Classification Process June 2021. Collection method: clinical testing. Allele origin: germline. Affected: yes.
Comment: In silico analysis supports that this missense variant has a deleterious effect on protein structure/function; Has not been previously published as pathogenic or benign to our knowledge

Blueprint Genetics
Classification: Uncertain significance. Last evaluated: 2023-05-24. Review status: criteria provided, single submitter. Criteria: ACMG Guidelines, 2015. Collection method: clinical testing. Allele origin: germline.

Ambry Genetics
Classification: Uncertain significance for Inborn genetic diseases. Last evaluated: 2021-10-05. Review status: criteria provided, single submitter. Criteria: Ambry Variant Classification Scheme 2023. Collection method: clinical testing. Allele origin: germline.

Genetic Services Laboratory, University of Chicago
Classification: Uncertain significance. Last evaluated: 2021-05-26. Review status: criteria provided, single submitter. Criteria: ACMG Guidelines, 2015. Collection method: clinical testing. Allele origin: germline. Affected: no.
Comment: DNA sequence analysis of the CTC1 gene demonstrated a sequence change, c.1564C>T, in exon 9 that results in an amino acid change, p.Arg522Trp. This sequence change has been described in gnomAD with a frequency of 0.095% in the African/American sub-population (dbSNP rs199698527). The p.Arg522Trp change affects a highly conserved amino acid residue located in a domain of the CTC1 protein that is not known to be functional. In-silico pathogenicity prediction tools (SIFT, PolyPhen2, Align GVGD, REVEL) provide contradictory results for the p.Arg522Trp substitution. This sequence change does not appear to have been previously described in patients with CTC1-related disorders. Due to the lack of sufficient evidences, the clinical significance of the p.Arg522Trp change remains unknown at this time.

New York Genome Center
Classification: Uncertain significance for Cerebroretinal microangiopathy with calcifications and cysts 1. Last evaluated: 2021-03-12. Review status: criteria provided, single submitter. Criteria: NYGC Assertion Criteria 2020. Collection method: clinical testing. Allele origin: inherited. Observed: 1 heterozygote. Study: CSER-NYCKidSeq.